The following is an entry in ClinVar:

ClinVar aggregate classification (germline): Uncertain significance (1 of 4 stars; one submission).

Submission:

Labcorp Genetics (formerly Invitae), Labcorp
Classification: Uncertain significance. Last evaluated: 2024-04-24. Review status: criteria provided, single submitter. Criteria: Invitae Variant Classification Sherloc (09022015). Collection method: clinical testing. Allele origin: germline.
Comment: This sequence change replaces alanine, which is neutral and non-polar, with proline, which is neutral and non-polar, at codon 201 of the TWNK protein (p.Ala201Pro). This variant is not present in population databases (gnomAD no frequency). This variant has not been reported in the literature in individuals affected with TWNK-related conditions. ClinVar contains an entry for this variant (Variation ID: 1897017). Advanced modeling of protein sequence and biophysical properties (such as structural, functional, and spatial information, amino acid conservation, physicochemical variation, residue mobility, and thermodynamic stability) has been performed at Invitae for this missense variant, however the output from this modeling did not meet the statistical confidence thresholds required to predict the impact of this variant on TWNK protein function. In summary, the available evidence is currently insufficient to determine the role of this variant in disease. Therefore, it has been classified as a Variant of Uncertain Significance.

NM_021830.5(TWNK):c.601G>C (p.Ala201Pro)

Gene: TWNK (twinkle mtDNA helicase; plus strand). Cytogenetic location: 10q24.31.
Variant type: single nucleotide variant.
Coding change: c.601G>C on transcript NM_021830.5 (MANE Select); coding-DNA position 601, G replaced by C.
Protein change: p.Ala201Pro; replaces alanine 201 with proline.
Molecular consequence: missense variant. On other transcripts: non-coding transcript variant (4), intron variant (3).
Genome position (GRCh38, 1-based): chr10:100,988,811, G>C. VCF-style: chr10-100988811-G-C. GRCh37 (hg19) VCF-style: chr10-102748568-G-C.
Other names: c.601G>C, p.Ala201Pro (NM_001163812.2); c.-119-833G>C (NM_001163814.2, NM_001163813.2); c.-57-895G>C (NM_001368275.1); short protein forms A201P.
Identifiers: ClinVar variation 1897017 (VCV001897017.5), dbSNP rs2493629492, ClinGen allele CA378207775.
Genomic context (GRCh38, chr10:100,988,811, plus strand): 5'-GGCCTTACCAAGGTTACAGATGACACACTCAAGCGTTTCAGTGTGCGATATCTGCGACCT[G>C]CTCGCAGTCTTGTCTTCCCTTGGTTCTCCCCTGGGGGCTCAGGATTACGAGGCCTGAAGC-3'
Protein context (NP_068602.2, residues 191-211): KRFSVRYLRP[Ala201Pro]RSLVFPWFSP